The following is an entry in ClinVar:

ClinVar aggregate classification (germline): Uncertain significance. Review status: criteria provided, multiple submitters, no conflicts (2 of 4 stars). 2 submissions from 2 submitters: Uncertain significance (2). Last evaluated 2022-08-30.

Conditions:
Hereditary cancer-predisposing syndrome. Also called: Neoplastic Syndromes, Hereditary; Hereditary Cancer Syndrome; Tumor predisposition; Hereditary neoplastic syndrome. Identifiers: Orphanet 140162, MedGen C0027672, MeSH D009386, MONDO:0015356.

Submissions (2):

Ambry Genetics
Classification: Uncertain significance for Hereditary cancer-predisposing syndrome. Last evaluated: 2022-08-30. Review status: criteria provided, single submitter. Criteria: Ambry Variant Classification Scheme 2023. Collection method: clinical testing. Allele origin: germline.
Comment: The p.G41V variant (also known as c.122G>T) is located in coding exon 3 of the XRCC2 gene. The glycine at codon 41 is replaced by valine, an amino acid with dissimilar properties. This change occurs in the first base pair of coding exon 3. This amino acid position is highly conserved in available vertebrate species. In addition, this alteration is predicted to be deleterious by in silico analysis. Since supporting evidence is limited at this time, the clinical significance of this alteration remains unclear.

Labcorp Genetics (formerly Invitae), Labcorp
Classification: Uncertain significance. Last evaluated: 2019-11-27. Review status: criteria provided, single submitter. Criteria: Invitae Variant Classification Sherloc (09022015). Collection method: clinical testing. Allele origin: germline.
Comment: In summary, the available evidence is currently insufficient to determine the role of this variant in disease. Therefore, it has been classified as a Variant of Uncertain Significance. Algorithms developed to predict the effect of sequence changes on RNA splicing suggest that this variant may disrupt the consensus splice site, but this prediction has not been confirmed by published transcriptional studies. Algorithms developed to predict the effect of missense changes on protein structure and function are either unavailable or do not agree on the potential impact of this missense change (SIFT: "Deleterious"; PolyPhen-2: "Probably Damaging"; Align-GVGD: "Class C0"). This variant has not been reported in the literature in individuals with XRCC2-related conditions. This variant is not present in population databases (ExAC no frequency). This sequence change replaces glycine with valine at codon 41 of the XRCC2 protein (p.Gly41Val). The glycine residue is highly conserved and there is a moderate physicochemical difference between glycine and valine.

NM_005431.2(XRCC2):c.122G>T (p.Gly41Val)

Gene: XRCC2 (X-ray repair cross complementing 2; minus strand). Cytogenetic location: 7q36.1.
Variant type: single nucleotide variant.
Coding change: c.122G>T on transcript NM_005431.2 (MANE Select); coding-DNA position 122, G replaced by T.
Protein change: p.Gly41Val; replaces glycine 41 with valine.
Molecular consequence: missense variant.
Genome position (GRCh38, 1-based): chr7:152,649,363, C>A on the plus strand (G>T on the coding strand, the complement: XRCC2 is on the minus strand). VCF-style: chr7-152649363-C-A. GRCh37 (hg19) VCF-style: chr7-152346448-C-A.
Other names: short protein forms G41V.
Identifiers: ClinVar variation 853654 (VCV000853654.12), dbSNP rs1590129831, ClinGen allele CA370199378.